The following is an entry in ClinVar:

ClinVar aggregate classification (germline): Uncertain significance. Review status: criteria provided, multiple submitters, no conflicts (2 of 4 stars). 2 submissions from 2 submitters: Uncertain significance (2). Last evaluated 2025-08-23.

Conditions:
Inborn genetic diseases. Identifiers: MedGen C0950123, MeSH D030342.
Mucopolysaccharidosis type 6 (MPS6). Also called: MPS VI; MPS 6; Maroteaux Lamy syndrome; N-ACETYLGALACTOSAMINE-4-SULFATASE DEFICIENCY; ARSB DEFICIENCY; ARYLSULFATASE B DEFICIENCY. Identifiers: Orphanet 583, MedGen C0026709, MONDO:0009661, OMIM 253200.

Allele frequency attached by ClinVar (database versions not stated): gnomAD exomes below 0.00001; gnomAD 0.00001; TOPMed 0.00002.
gnomAD v4.1: 9 of 1,614,104 alleles (0.00056%); highest among the groups gnomAD compares: Admixed American, 0.0017%; no homozygotes.

Submissions (2):

Ambry Genetics
Classification: Uncertain significance for Inborn genetic diseases. Last evaluated: 2025-08-23. Review status: criteria provided, single submitter. Criteria: Ambry Variant Classification Scheme 2023. Collection method: clinical testing. Allele origin: germline.

Labcorp Genetics (formerly Invitae), Labcorp
Classification: Uncertain significance for Mucopolysaccharidosis type 6. Last evaluated: 2021-08-26. Review status: criteria provided, single submitter. Criteria: Invitae Variant Classification Sherloc (09022015). Collection method: clinical testing. Allele origin: germline.
Comment: This sequence change replaces asparagine with aspartic acid at codon 262 of the ARSB protein (p.Asn262Asp). The asparagine residue is weakly conserved and there is a small physicochemical difference between asparagine and aspartic acid. This variant is not present in population databases (ExAC no frequency). This variant has not been reported in the literature in individuals affected with ARSB-related conditions. Algorithms developed to predict the effect of missense changes on protein structure and function (SIFT, PolyPhen-2, Align-GVGD) all suggest that this variant is likely to be tolerated. In summary, the available evidence is currently insufficient to determine the role of this variant in disease. Therefore, it has been classified as a Variant of Uncertain Significance.

NM_000046.5(ARSB):c.784A>G (p.Asn262Asp)

Gene: ARSB (arylsulfatase B; minus strand). Cytogenetic location: 5q14.1.
Variant type: single nucleotide variant.
Coding change: c.784A>G on transcript NM_000046.5 (MANE Select); coding-DNA position 784, A replaced by G.
Protein change: p.Asn262Asp; replaces asparagine 262 with aspartic acid.
Molecular consequence: missense variant.
Genome position (GRCh38, 1-based): chr5:78,955,409, T>C on the plus strand (A>G on the coding strand, the complement: ARSB is on the minus strand). VCF-style: chr5-78955409-T-C. GRCh37 (hg19) VCF-style: chr5-78251232-T-C.
Other names: c.784A>G (NM_000046.3); c.784A>G, p.Asn262Asp (NM_198709.3); short protein forms N262D.
Identifiers: ClinVar variation 1401250 (VCV001401250.8), dbSNP rs1561524845, ClinGen allele CA360192141.
Genomic context (GRCh38, chr5:78,955,409, plus strand): 5'-CAGTGACATTTCCTACTGCTTCATCCATAAGGGACACCATTCCTGCATAGTGATGCCTGT[T>C]CTTGTCTTGGATAAAGTCATATGGCTTCAAGTATTCCTCAGGGACCTGAAGGGGCTCATG-3'
Protein context (NP_000037.2, residues 252-272): LKPYDFIQDK[Asn262Asp]RHHYAGMVSL